The following is an entry in ClinVar:

ClinVar aggregate classification (germline): Pathogenic (1 of 4 stars; one submission).

Conditions:
SLC35A2-congenital disorder of glycosylation. Also called: CONGENITAL DISORDER OF GLYCOSYLATION, TYPE IIm; CDG IIm; CONGENITAL DISORDER OF GLYCOSYLATION, TYPE IIm, SOMATIC MOSAIC; DEVELOPMENTAL AND EPILEPTIC ENCEPHALOPATHY 22; EPILEPTIC ENCEPHALOPATHY, EARLY INFANTILE, 22; SLC35A2-CDG. Identifiers: Orphanet 356961, MedGen C3806688, MONDO:0010478, OMIM 300896.

Submission:

Labcorp Genetics (formerly Invitae), Labcorp
Classification: Pathogenic for SLC35A2-congenital disorder of glycosylation. Last evaluated: 2019-02-27. Review status: criteria provided, single submitter. Criteria: Invitae Variant Classification Sherloc (09022015). Collection method: clinical testing. Allele origin: germline.
Comment: This variant is not present in population databases (ExAC no frequency). This sequence change results in a premature translational stop signal in the SLC35A2 gene (p.Phe280Glyfs*67). While this is not anticipated to result in nonsense mediated decay, it is expected to disrupt the last 114 amino acids of the SLC35A2 protein. For these reasons, this variant has been classified as Pathogenic. This variant disrupts the C-terminus of the SLC35A2 protein. Other variant(s) that disrupt this region (p.Phe324Leufs*25) have been determined to be pathogenic (PMID: 24115232). This suggests that variants that disrupt this region of the protein are likely to be causative of disease. This variant has not been reported in the literature in individuals with SLC35A2-related conditions.

Literature cited by the submitters: PubMed 24115232.

NM_005660.3(SLC35A2):c.837_843del (p.Phe280fs)

Gene: SLC35A2 (solute carrier family 35 member A2; minus strand). Cytogenetic location: Xp11.23.
Variant type: Deletion.
Coding change: c.837_843del on transcript NM_005660.3 (MANE Select); coding-DNA positions 837 to 843, 7 bases deleted (CTTCGGC; older notation c.837_843delCTTCGGC).
Protein change: p.Phe280fs; shifts the reading frame from phenylalanine 280.
Molecular consequence: frameshift variant. On other transcripts: intron variant (3).
Genome position (GRCh38, 1-based): chrX:48,905,066-48,905,072, GCCGAAG deleted on the plus strand (CTTCGGC on the coding strand, the reverse complement: SLC35A2 is on the minus strand); deleting any 7 consecutive bases within chrX:48,905,066-48,905,075 gives the same sequence; the c. name uses the placement nearest the transcript's 3' end. VCF-style (leftmost placement, unchanged base first): chrX-48905065-CGCCGAAG-C. GRCh37 (hg19) VCF-style: chrX-48762342-CGCCGAAG-C.
Other names: c.837_843del, p.Phe280fs (NM_001042498.3); c.654_660del, p.Phe219fs (NM_001282649.2); c.876_882del, p.Phe293fs (NM_001282650.2); c.921_927del, p.Phe308fs (NM_001282651.2); c.427-180_427-174del (NM_001282647.2, NM_001032289.3); c.355-180_355-174del (NM_001282648.2); short protein forms F280fs, F293fs, F219fs, F308fs.
Identifiers: ClinVar variation 847377 (VCV000847377.10), dbSNP rs2063479086, ClinGen allele CA916083953.
Genomic context (GRCh38, chrX:48,905,065, plus strand): 5'-AGGTGGCAAAGCCCTTGAGGATATTGTCAGCGTACTTGACAACCACAGCCACCAGTAGCC[CGCCGAAG>C]GCCTGGTTGAGCACCACGCCCCAGACAGCAGGTGTGTACCCAAAAAAGAAACCACGGGTG-3'